The following is an entry in ClinVar:

NM_017654.4(SAMD9):c.4314A>C (p.Leu1438Phe)

Gene: SAMD9 (sterile alpha motif domain containing 9; minus strand). Cytogenetic location: 7q21.2.
Variant type: single nucleotide variant.
Coding change: c.4314A>C on transcript NM_017654.4 (MANE Select); coding-DNA position 4314, A replaced by C.
Protein change: p.Leu1438Phe; replaces leucine 1438 with phenylalanine.
Molecular consequence: missense variant.
Genome position (GRCh38, 1-based): chr7:93,101,784, T>G on the plus strand (A>C on the coding strand, the complement: SAMD9 is on the minus strand). VCF-style: chr7-93101784-T-G. GRCh37 (hg19) VCF-style: chr7-92731097-T-G.
Other names: c.4314A>C, p.Leu1438Phe (NM_001193307.2); short protein forms L1438F.
Identifiers: ClinVar variation 4629877 (VCV004629877.1).

ClinVar aggregate classification (germline): Uncertain significance (1 of 4 stars; one submission).

Conditions:
Inborn genetic diseases. Identifiers: MedGen C0950123, MeSH D030342.

Submission:

Ambry Genetics
Classification: Uncertain significance for Inborn genetic diseases. Last evaluated: 2025-10-16. Review status: criteria provided, single submitter. Criteria: Ambry Variant Classification Scheme 2023. Collection method: clinical testing. Allele origin: germline.
Comment: The p.L1438F variant (also known as c.4314A>C), located in coding exon 1 of the SAMD9 gene, results from an A to C substitution at nucleotide position 4314. The leucine at codon 1438 is replaced by phenylalanine, an amino acid with highly similar properties. This amino acid position is conserved. In addition, this alteration is predicted to be tolerated by in silico analysis. Based on the available evidence, the clinical significance of this variant remains unclear.